The following is an entry in ClinVar:

NM_003072.5(SMARCA4):c.1207G>A (p.Glu403Lys)

Gene: SMARCA4 (SWI/SNF related BAF chromatin remodeling complex subunit ATPase 4; plus strand). Cytogenetic location: 19p13.2.
Variant type: single nucleotide variant.
Coding change: c.1207G>A on transcript NM_003072.5 (MANE Select); coding-DNA position 1207, G replaced by A.
Protein change: p.Glu403Lys; replaces glutamic acid 403 with lysine.
Molecular consequence: missense variant. On other transcripts: non-coding transcript variant (1).
Genome position (GRCh38, 1-based): chr19:10,989,405, G>A. VCF-style: chr19-10989405-G-A. GRCh37 (hg19) VCF-style: chr19-11100081-G-A.
Other names: c.1207G>A, p.Glu403Lys (NM_001128844.3, NM_001128845.2, NM_001128846.2 and 5 more transcripts); short protein forms E403K.
Identifiers: ClinVar variation 537828 (VCV000537828.13), dbSNP rs1555756388, ClinGen allele CA404059692.

ClinVar aggregate classification (germline): Uncertain significance. Review status: criteria provided, multiple submitters, no conflicts (2 of 4 stars). 2 submissions from 2 submitters: Uncertain significance (2). Last evaluated 2023-09-19.

Conditions:
Hereditary cancer-predisposing syndrome. Also called: Tumor predisposition; Hereditary Cancer Syndrome; Hereditary neoplastic syndrome; Neoplastic Syndromes, Hereditary. Identifiers: Orphanet 140162, MedGen C0027672, MeSH D009386, MONDO:0015356.
Rhabdoid tumor predisposition syndrome 2 (RTPS2). Identifiers: Orphanet 231108, Orphanet 69077, MedGen C2750074, MONDO:0013224, OMIM 613325.

Submissions (2):

Ambry Genetics
Classification: Uncertain significance for Hereditary cancer-predisposing syndrome. Last evaluated: 2023-09-19. Review status: criteria provided, single submitter. Criteria: Ambry Variant Classification Scheme 2023. Collection method: clinical testing. Allele origin: germline.
Comment: The p.E403K variant (also known as c.1207G>A), located in coding exon 6 of the SMARCA4 gene, results from a G to A substitution at nucleotide position 1207. The glutamic acid at codon 403 is replaced by lysine, an amino acid with similar properties. This amino acid position is highly conserved in available vertebrate species. In addition, the in silico prediction for this alteration is inconclusive. Missense and in-frame variants in SMARCA4 are known to cause neurodevelopmental disorders; however, such associations with rhabdoid tumor predisposition syndrome including small cell carcinoma of the ovary-hypercalcemic type (SCCOHT) are exceedingly rare (Kosho T et al. Am J Med Genet C Semin Med Genet. 2014 Sep;166C(3):262-75; Jelinic P et al. Nat Genet. 2014 May;46(5):424-6). Based on the supporting evidence, the association of this alteration with Coffin-Siris syndrome is unknown; however, the association of this alteration with rhabdoid tumor predisposition syndrome is unlikely.

Labcorp Genetics (formerly Invitae), Labcorp
Classification: Uncertain significance for Rhabdoid tumor predisposition syndrome 2. Last evaluated: 2022-04-22. Review status: criteria provided, single submitter. Criteria: Invitae Variant Classification Sherloc (09022015). Collection method: clinical testing. Allele origin: germline.
Comment: This sequence change replaces glutamic acid, which is acidic and polar, with lysine, which is basic and polar, at codon 403 of the SMARCA4 protein (p.Glu403Lys). This variant is not present in population databases (gnomAD no frequency). In summary, the available evidence is currently insufficient to determine the role of this variant in disease. Therefore, it has been classified as a Variant of Uncertain Significance. Algorithms developed to predict the effect of missense changes on protein structure and function (SIFT, PolyPhen-2, Align-GVGD) all suggest that this variant is likely to be disruptive. ClinVar contains an entry for this variant (Variation ID: 537828). This variant has not been reported in the literature in individuals affected with SMARCA4-related conditions.